The following is an entry in ClinVar:

NM_000059.4(BRCA2):c.3197A>T (p.Asn1066Ile)

Gene: BRCA2 (BRCA2 DNA repair associated; plus strand). Cytogenetic location: 13q13.1.
Variant type: single nucleotide variant.
Coding change: c.3197A>T on transcript NM_000059.4 (MANE Select); coding-DNA position 3197, A replaced by T.
Protein change: p.Asn1066Ile; replaces asparagine 1066 with isoleucine.
Molecular consequence: missense variant.
Genome position (GRCh38, 1-based): chr13:32,337,552, A>T. VCF-style: chr13-32337552-A-T. GRCh37 (hg19) VCF-style: chr13-32911689-A-T.
Other names: short protein forms N1066I.
Identifiers: ClinVar variation 1019300 (VCV001019300.14), dbSNP rs762752733, ClinGen allele CA387775857.

ClinVar aggregate classification (germline): Conflicting classifications of pathogenicity. Review status: criteria provided, conflicting classifications (1 of 4 stars). 4 submissions from 4 submitters: Uncertain significance (2); Likely benign (2). Last evaluated 2025-04-02.

Conditions:
Hereditary cancer-predisposing syndrome. Also called: Tumor predisposition; Neoplastic Syndromes, Hereditary; Hereditary neoplastic syndrome; Hereditary Cancer Syndrome. Identifiers: Orphanet 140162, MedGen C0027672, MeSH D009386, MONDO:0015356.
Hereditary breast ovarian cancer syndrome. Also called: BRCA1- and BRCA2-Associated Hereditary Breast and Ovarian Cancer; Hereditary breast and/or ovarian cancer syndrome; Hereditary breast and ovarian cancer syndrome; Hereditary breast and ovarian cancer; Hereditary breast and ovarian cancer syndrome (HBOC); Breast and ovarian cancer. Identifiers: Orphanet 145, MedGen C0677776, MeSH D061325, MONDO:0003582. Disease mechanism: loss of function.

gnomAD v4.1: 5 of 1,607,994 alleles (0.00031%); highest among the groups gnomAD compares: Non-Finnish European, 0.00042%; no homozygotes.

Submissions (4):

Ambry Genetics
Classification: Likely benign for Hereditary cancer-predisposing syndrome. Last evaluated: 2025-04-02. Review status: criteria provided, single submitter. Criteria: Ambry Variant Classification Scheme 2023. Collection method: clinical testing. Allele origin: germline.

Labcorp Genetics (formerly Invitae), Labcorp
Classification: Uncertain significance for Hereditary breast ovarian cancer syndrome. Last evaluated: 2024-03-26. Review status: criteria provided, single submitter. Criteria: Invitae Variant Classification Sherloc (09022015). Collection method: clinical testing. Allele origin: germline.
Comment: This sequence change replaces asparagine, which is neutral and polar, with isoleucine, which is neutral and non-polar, at codon 1066 of the BRCA2 protein (p.Asn1066Ile). This variant is not present in population databases (gnomAD no frequency). This variant has not been reported in the literature in individuals affected with BRCA2-related conditions. ClinVar contains an entry for this variant (Variation ID: 1019300). Advanced modeling of protein sequence and biophysical properties (such as structural, functional, and spatial information, amino acid conservation, physicochemical variation, residue mobility, and thermodynamic stability) performed at Invitae indicates that this missense variant is not expected to disrupt BRCA2 protein function with a negative predictive value of 95%. In summary, the available evidence is currently insufficient to determine the role of this variant in disease. Therefore, it has been classified as a Variant of Uncertain Significance.

Women's Health and Genetics/Laboratory Corporation of America, LabCorp
Classification: Uncertain significance. Last evaluated: 2024-02-16. Review status: criteria provided, single submitter. Criteria: LabCorp Variant Classification Summary - May 2015. Collection method: clinical testing. Allele origin: germline.

University of Washington Department of Laboratory Medicine, University of Washington
Classification: Likely benign for Hereditary cancer-predisposing syndrome. Last evaluated: 2023-03-23. Review status: criteria provided, single submitter. Criteria: Dines et al. (Genet Med. 2020). Collection method: curation. Allele origin: germline.
Comment: Missense variant in a coldspot region where missense variants are very unlikely to be pathogenic (PMID:31911673).

BRCA2 exon 11 coldspot. Reclassification based on statistical prior probability.